The following is an entry in ClinVar:

ClinVar aggregate classification (germline): Benign. Review status: criteria provided, multiple submitters, no conflicts (2 of 4 stars). 6 submissions from 6 submitters: Benign (4). 2 of the submissions do not count toward it. Last evaluated 2026-08-01.

Conditions:
Familial acute necrotizing encephalopathy (IIAE3). Also called: ENCEPHALOPATHY, ACUTE, INFECTION-INDUCED, SUSCEPTIBILITY TO, 3; Susceptibility to Acute Necrotizing Encephalopathy 1. Identifiers: Orphanet 88619, MedGen C2675556, MONDO:0011953, OMIM 608033.

Allele frequency attached by ClinVar (database versions not stated): gnomAD exomes 0.00625 and 0.00453; 1000 Genomes Project 0.00419; ExAC 0.00449; 1000 Genomes Project 30x 0.00453; gnomAD 0.00475 and 0.00488; TOPMed 0.00544; ESP Exome Variant Server 0.00487.
gnomAD v4.1: 9,808 of 1,612,030 alleles (0.61%); highest among the groups gnomAD compares: Admixed American, 0.79%; 47 homozygotes.

Submissions (6):

CeGaT Center for Human Genetics Tuebingen
Classification: Benign. Last evaluated: 2026-08-01. Review status: criteria provided, single submitter. Criteria: CeGaT Center For Human Genetics Tuebingen Variant Classification Criteria Version 2. Collection method: clinical testing. Allele origin: germline. Affected: yes. Observed: 11 variant alleles.
Comment: RANBP2: BP4, BS1, BS2

Labcorp Genetics (formerly Invitae), Labcorp
Classification: Benign for Familial acute necrotizing encephalopathy. Last evaluated: 2025-06-27. Review status: criteria provided, single submitter. Criteria: Invitae Variant Classification Sherloc (09022015). Collection method: clinical testing. Allele origin: germline.

GeneDx
Classification: Benign. Last evaluated: 2016-04-22. Review status: criteria provided, single submitter. Criteria: GeneDx Variant Classification (06012015). Collection method: clinical testing. Allele origin: germline. Affected: yes.
Comment: This variant is considered likely benign or benign based on one or more of the following criteria: it is a conservative change, it occurs at a poorly conserved position in the protein, it is predicted to be benign by multiple in silico algorithms, and/or has population frequency not consistent with disease.

Breakthrough Genomics
Classification: Benign. Review status: criteria provided, single submitter. Criteria: ACMG Guidelines, 2015. Collection method: not provided. Allele origin: germline. Inheritance: Autosomal dominant inheritance. Affected: yes.

Clinical Genetics DNA and cytogenetics Diagnostics Lab, Erasmus MC, Erasmus Medical Center
Classification: Likely benign. Review status: no assertion criteria provided. Collection method: clinical testing. Allele origin: germline. Affected: yes. Study: VKGL Data-share Consensus. Not counted in ClinVar's aggregate classification.

Genome Diagnostics Laboratory, University Medical Center Utrecht
Classification: Likely benign. Review status: no assertion criteria provided. Collection method: clinical testing. Allele origin: germline. Affected: yes. Study: VKGL Data-share Consensus. Not counted in ClinVar's aggregate classification.

NM_006267.5(RANBP2):c.7754T>C (p.Ile2585Thr)

Gene: RANBP2 (RAN binding protein 2; plus strand). Cytogenetic location: 2q13.
Variant type: single nucleotide variant.
Coding change: c.7754T>C on transcript NM_006267.5 (MANE Select); coding-DNA position 7754, T replaced by C.
Protein change: p.Ile2585Thr; replaces isoleucine 2585 with threonine.
Molecular consequence: missense variant.
Genome position (GRCh38, 1-based): chr2:108,768,293, T>C. VCF-style: chr2-108768293-T-C. GRCh37 (hg19) VCF-style: chr2-109384749-T-C.
Other names: short protein forms I2585T.
Identifiers: ClinVar variation 380577 (VCV000380577.38), dbSNP rs145886643, ClinGen allele CA1823650.